The following is an entry in ClinVar:

NM_005676.5(RBM10):c.2374C>T (p.Arg792Trp)

Gene: RBM10 (RNA binding motif protein 10; plus strand). Cytogenetic location: Xp11.3.
Variant type: single nucleotide variant.
Coding change: c.2374C>T on transcript NM_005676.5 (MANE Select); coding-DNA position 2374, C replaced by T.
Protein change: p.Arg792Trp; replaces arginine 792 with tryptophan.
Molecular consequence: missense variant.
Genome position (GRCh38, 1-based): chrX:47,185,734, C>T. VCF-style: chrX-47185734-C-T. GRCh37 (hg19) VCF-style: chrX-47045133-C-T.
Other names: c.2143C>T, p.Arg715Trp (NM_001204466.2); c.2371C>T, p.Arg791Trp (NM_001204467.2); c.2569C>T, p.Arg857Trp (NM_001204468.2); c.2140C>T, p.Arg714Trp (NM_152856.3); short protein forms R714W, R715W, R791W, R792W, R857W.
Identifiers: ClinVar variation 3372646 (VCV003372646.1).

ClinVar aggregate classification (germline): Uncertain significance (1 of 4 stars; one submission).

Submission:

GeneDx
Classification: Uncertain significance. Last evaluated: 2024-04-18. Review status: criteria provided, single submitter. Criteria: GeneDx Variant Classification Process June 2021. Collection method: clinical testing. Allele origin: germline. Affected: yes.
Comment: Not observed at significant frequency in large population cohorts (gnomAD); In silico analysis supports that this missense variant has a deleterious effect on protein structure/function; Has not been previously published as pathogenic or benign to our knowledge